The following is an entry in ClinVar:

ClinVar aggregate classification (germline): Pathogenic/Likely pathogenic. Review status: criteria provided, multiple submitters, no conflicts (2 of 4 stars). 2 submissions from 2 submitters: Pathogenic (1); Likely pathogenic (1). Last evaluated 2024-05-03.

Conditions:
Joubert syndrome 5 (JBTS5). Identifiers: Orphanet 2318, MedGen C1857780, MONDO:0012432, OMIM 610188.
Senior-Loken syndrome 6 (SLSN6). Identifiers: Orphanet 3156, MedGen C1857779, MONDO:0012433, OMIM 610189.
Bardet-Biedl syndrome 14 (BBS14). Identifiers: Orphanet 110, MedGen C2673874, MONDO:0014442, OMIM 615991.
Leber congenital amaurosis 10 (LCA10). Identifiers: Orphanet 65, MedGen C1857821, MONDO:0012723, OMIM 611755.
Meckel syndrome, type 4 (MKS4). Also called: MECKEL-GRUBER SYNDROME, TYPE 4. Identifiers: Orphanet 564, MedGen C1970161, MONDO:0012626, OMIM 611134.
Joubert syndrome. Also called: CEREBELLOPARENCHYMAL DISORDER IV; JOUBERT-BOLTSHAUSER SYNDROME; Familial aplasia of the vermis. Identifiers: Orphanet 475, MedGen C5979921, MONDO:0018772.
Meckel-Gruber syndrome. Also called: DYSENCEPHALIA SPLANCHNOCYSTICA; GRUBER SYNDROME; Dysencephalia splachnocystica. Identifiers: Orphanet 564, MedGen C0265215, MONDO:0018921.
Nephronophthisis. Also called: Juvenile Nephronophthisis. Identifiers: Orphanet 655, MedGen C0687120, MONDO:0019005, HP:0000090.

Submissions (2):

Fulgent Genetics
Classification: Likely pathogenic for Joubert syndrome 5; Senior-Loken syndrome 6; Meckel syndrome, type 4; Leber congenital amaurosis 10; Bardet-Biedl syndrome 14. Last evaluated: 2024-05-03. Review status: criteria provided, single submitter. Criteria: ACMG Guidelines, 2015. Collection method: clinical testing. Allele origin: germline.

Labcorp Genetics (formerly Invitae), Labcorp
Classification: Pathogenic for Joubert syndrome; Meckel-Gruber syndrome; Nephronophthisis. Last evaluated: 2022-08-13. Review status: criteria provided, single submitter. Criteria: Invitae Variant Classification Sherloc (09022015). Collection method: clinical testing. Allele origin: germline.
Comment: For these reasons, this variant has been classified as Pathogenic. This variant has not been reported in the literature in individuals affected with CEP290-related conditions. This variant is not present in population databases (gnomAD no frequency). This sequence change creates a premature translational stop signal (p.Glu1572Asnfs*6) in the CEP290 gene. It is expected to result in an absent or disrupted protein product. Loss-of-function variants in CEP290 are known to be pathogenic (PMID: 16909394, 17345604, 20690115).

Literature cited by the submitters: PubMed 16909394 (cited by Labcorp Genetics (formerly Invitae), Labcorp); PubMed 17345604 (cited by Labcorp Genetics (formerly Invitae), Labcorp); PubMed 20690115 (cited by Labcorp Genetics (formerly Invitae), Labcorp).

NM_025114.4(CEP290):c.4714_4715del (p.Glu1572fs)

Gene: CEP290 (centrosomal protein 290; minus strand). Cytogenetic location: 12q21.32.
Variant type: Microsatellite.
Coding change: c.4714_4715del on transcript NM_025114.4 (MANE Select); coding-DNA positions 4714 to 4715, 2 bases deleted (GA; older notation c.4714_4715delGA).
Protein change: p.Glu1572fs; shifts the reading frame from glutamic acid 1572.
Molecular consequence: frameshift variant.
Genome position (GRCh38, 1-based): chr12:88,083,944-88,083,945, TC deleted on the plus strand (GA on the coding strand, the reverse complement: CEP290 is on the minus strand); deleting any 2 consecutive bases within chr12:88,083,944-88,083,948 gives the same sequence; the c. name uses the placement nearest the transcript's 3' end. VCF-style (leftmost placement, unchanged base first): chr12-88083943-TTC-T. GRCh37 (hg19) VCF-style: chr12-88477720-TTC-T.
Other names: short protein forms E1572fs.
Identifiers: ClinVar variation 2023926 (VCV002023926.5), dbSNP rs2499974587, ClinGen allele CA2580616846.